The following is an entry in ClinVar:

NM_001330260.2(SCN8A):c.5157del (p.Asp1720fs)

Gene: SCN8A (sodium voltage-gated channel alpha subunit 8; plus strand). Cytogenetic location: 12q13.13.
Variant type: Deletion.
Coding change: c.5157del on transcript NM_001330260.2 (MANE Select); coding-DNA position 5157, one base deleted (T; older notation c.5157delT).
Protein change: p.Asp1720fs; shifts the reading frame from aspartic acid 1720.
Molecular consequence: frameshift variant.
Genome position (GRCh38, 1-based): chr12:51,806,643, T deleted. VCF-style (leftmost placement, unchanged base first): chr12-51806642-CT-C. GRCh37 (hg19) VCF-style: chr12-52200426-CT-C.
Other names: c.5034del, p.Asp1679fs (NM_001177984.3, NM_001369788.1); c.5157del, p.Asp1720fs (NM_014191.4); short protein forms D1679fs, D1720fs.
Identifiers: ClinVar variation 1219777 (VCV001219777.3), dbSNP rs2138943001, ClinGen allele CA2499221740.

ClinVar aggregate classification (germline): Likely pathogenic (1 of 4 stars; one submission).

Submission:

GeneDx
Classification: Likely pathogenic. Last evaluated: 2019-12-27. Review status: criteria provided, single submitter. Criteria: GeneDx Variant Classification Process June 2021. Collection method: clinical testing. Allele origin: germline. Affected: yes.
Comment: Frameshift variant in the C-terminus predicted to result in protein truncation, as the last 261 amino acids are lost and replaced with 3 incorrect amino acids; Not observed in large population cohorts (Lek et al., 2016); Has not been previously published as pathogenic or benign to our knowledge